The following is an entry in ClinVar:

NM_003590.5(CUL3):c.595T>A (p.Ser199Thr)

Gene: CUL3 (cullin 3; minus strand). Cytogenetic location: 2q36.2.
Variant type: single nucleotide variant.
Coding change: c.595T>A on transcript NM_003590.5 (MANE Select); coding-DNA position 595, T replaced by A.
Protein change: p.Ser199Thr; replaces serine 199 with threonine.
Molecular consequence: missense variant.
Genome position (GRCh38, 1-based): chr2:224,513,583, A>T on the plus strand (T>A on the coding strand, the complement: CUL3 is on the minus strand). VCF-style: chr2-224513583-A-T. GRCh37 (hg19) VCF-style: chr2-225378300-A-T.
Other names: c.397T>A, p.Ser133Thr (NM_001257197.2); c.613T>A, p.Ser205Thr (NM_001257198.2); short protein forms S133T, S199T, S205T.
Identifiers: ClinVar variation 4690546 (VCV004690546.1).
Genomic context (GRCh38, chr2:224,513,583, plus strand): 5'-CCTGAAAAAATTCTGCAGACATTTCCAAAAAAGGAGCCTCAAAATCTTCTTCATAGACTG[A>T]TCTTCCTTCGAGACCTAAAATCATTAACATCTGGCAAGCATTTCTTATTGCGCCTCTGTC-3'
Protein context (NP_003581.1, residues 189-209): MLMILGLEGR[Ser199Thr]VYEEDFEAPF

ClinVar aggregate classification (germline): Uncertain significance (1 of 4 stars; one submission).

Submission:

Labcorp Genetics (formerly Invitae), Labcorp
Classification: Uncertain significance. Last evaluated: 2025-12-09. Review status: criteria provided, single submitter. Criteria: Invitae Variant Classification Sherloc (09022015). Collection method: clinical testing. Allele origin: germline.
Comment: This sequence change replaces serine, which is neutral and polar, with threonine, which is neutral and polar, at codon 199 of the CUL3 protein (p.Ser199Thr). This variant is not present in population databases (gnomAD no frequency). This variant has not been reported in the literature in individuals affected with CUL3-related conditions. Invitae Evidence Modeling of protein sequence and biophysical properties (such as structural, functional, and spatial information, amino acid conservation, physicochemical variation, residue mobility, and thermodynamic stability) indicates that this missense variant is not expected to disrupt CUL3 protein function with a negative predictive value of 95%. In summary, the available evidence is currently insufficient to determine the role of this variant in disease. Therefore, it has been classified as a Variant of Uncertain Significance.